The following is an entry in ClinVar:

NM_004064.5(CDKN1B):c.-32G>A

Gene: CDKN1B (cyclin dependent kinase inhibitor 1B; plus strand). Cytogenetic location: 12p13.1.
Variant type: single nucleotide variant.
Coding change: c.-32G>A on transcript NM_004064.5 (MANE Select); 32 bases upstream of the start codon, G replaced by A.
Molecular consequence: 5 prime UTR variant.
Genome position (GRCh38, 1-based): chr12:12,717,808, G>A. VCF-style: chr12-12717808-G-A. GRCh37 (hg19) VCF-style: chr12-12870742-G-A.
Identifiers: ClinVar variation 3368652 (VCV003368652.1).

ClinVar aggregate classification (germline): Uncertain significance (1 of 4 stars; one submission).

Submission:

GeneDx
Classification: Uncertain significance. Last evaluated: 2024-01-31. Review status: criteria provided, single submitter. Criteria: GeneDx Variant Classification Process June 2021. Collection method: clinical testing. Allele origin: germline. Affected: yes.
Comment: Not observed at significant frequency in large population cohorts (gnomAD); Nucleotide is not conserved across species and the substitution has no predicted effect on splicing; Has not been previously published as pathogenic or benign to our knowledge